The following is an entry in ClinVar:

NM_001382430.1(AKT1):c.539T>C (p.Ile180Thr)

Gene: AKT1 (AKT serine/threonine kinase 1; minus strand). Cytogenetic location: 14q32.33.
Variant type: single nucleotide variant.
Coding change: c.539T>C on transcript NM_001382430.1 (MANE Select); coding-DNA position 539, T replaced by C.
Protein change: p.Ile180Thr; replaces isoleucine 180 with threonine.
Molecular consequence: missense variant.
Genome position (GRCh38, 1-based): chr14:104,775,104, A>G on the plus strand (T>C on the coding strand, the complement: AKT1 is on the minus strand). VCF-style: chr14-104775104-A-G. GRCh37 (hg19) VCF-style: chr14-105241441-A-G.
Other names: c.539T>C, p.Ile180Thr (NM_001014431.2, NM_001014432.2, NM_001382431.1 and 3 more transcripts); short protein forms I180T.
Identifiers: ClinVar variation 4267533 (VCV004267533.1).
Genomic context (GRCh38, chr14:104,775,104, plus strand): 5'-ATCTCCACCCTGCCCCACCGCCCCGGCCCCACCTTGGCCACGATGACTTCCTTCTTGAGG[A>G]TCTTCATGGCGTAGTAGCGGCCTGTGGCCTTCTCCTTCACCAGGATCACCTTGCCGAAAG-3'
Protein context (NP_001369359.1, residues 170-190): KATGRYYAMK[Ile180Thr]LKKEVIVAKD

ClinVar aggregate classification (germline): Uncertain significance (1 of 4 stars; one submission).

Conditions:
Inborn genetic diseases. Identifiers: MedGen C0950123, MeSH D030342.

Submission:

Ambry Genetics
Classification: Uncertain significance for Inborn genetic diseases. Last evaluated: 2025-06-21. Review status: criteria provided, single submitter. Criteria: Ambry Variant Classification Scheme 2023. Collection method: clinical testing. Allele origin: germline.
Comment: The p.I180T variant (also known as c.539T>C), located in coding exon 5 of the AKT1 gene, results from a T to C substitution at nucleotide position 539. The isoleucine at codon 180 is replaced by threonine, an amino acid with similar properties. This amino acid position is conserved. In addition, the in silico prediction for this alteration is inconclusive. Based on the available evidence, the clinical significance of this variant remains unclear.